The following is an entry in ClinVar:

NM_003072.5(SMARCA4):c.4404C>A (p.Ala1468=)

Gene: SMARCA4 (SWI/SNF related BAF chromatin remodeling complex subunit ATPase 4; plus strand). Cytogenetic location: 19p13.2.
Variant type: single nucleotide variant.
Coding change: c.4404C>A on transcript NM_003072.5 (MANE Select); coding-DNA position 4404, C replaced by A.
Protein change: p.Ala1468=; no amino-acid change (alanine 1468 retained).
Molecular consequence: synonymous variant. On other transcripts: non-coding transcript variant (1).
Genome position (GRCh38, 1-based): chr19:11,041,540, C>A. VCF-style: chr19-11041540-C-A. GRCh37 (hg19) VCF-style: chr19-11152216-C-A.
Other names: c.4404C>A, p.Ala1468= (NM_001128844.3); c.4314C>A, p.Ala1438= (NM_001128845.2, NM_001128846.2); c.4305C>A, p.Ala1435= (NM_001128847.4, NM_001128848.2, NM_001374457.1); c.4500C>A, p.Ala1500= (NM_001128849.3, NM_001387283.1).
Identifiers: ClinVar variation 480610 (VCV000480610.16), dbSNP rs552535004, ClinGen allele CA505743991.

ClinVar aggregate classification (germline): Benign/Likely benign. Review status: criteria provided, multiple submitters, no conflicts (2 of 4 stars). 3 submissions from 3 submitters: Benign (1); Likely benign (2). Last evaluated 2026-07-22.

Conditions:
Hereditary cancer-predisposing syndrome. Also called: Tumor predisposition; Neoplastic Syndromes, Hereditary; Hereditary Cancer Syndrome; Hereditary neoplastic syndrome. Identifiers: Orphanet 140162, MedGen C0027672, MeSH D009386, MONDO:0015356.
Rhabdoid tumor predisposition syndrome 2 (RTPS2). Identifiers: Orphanet 231108, Orphanet 69077, MedGen C2750074, MONDO:0013224, OMIM 613325.

gnomAD v4.1: 1 of 1,613,554 alleles (0.000062%); highest among the groups gnomAD compares: Non-Finnish European, 0.000085%; no homozygotes.

Submissions (3):

Myriad Genetics, Inc.
Classification: Benign for Rhabdoid tumor predisposition syndrome 2. Last evaluated: 2026-07-22. Review status: criteria provided, single submitter. Criteria: Myriad Autosomal Dominant, Autosomal Recessive and X-Linked Classification Criteria (2023). Collection method: clinical testing. Allele origin: unknown.
Comment: This variant is considered benign. This variant is a silent/synonymous amino acid change and it is not expected to impact splicing.

Labcorp Genetics (formerly Invitae), Labcorp
Classification: Likely benign for Rhabdoid tumor predisposition syndrome 2. Last evaluated: 2025-08-07. Review status: criteria provided, single submitter. Criteria: Invitae Variant Classification Sherloc (09022015). Collection method: clinical testing. Allele origin: germline.

Ambry Genetics
Classification: Likely benign for Hereditary cancer-predisposing syndrome. Last evaluated: 2016-02-29. Review status: criteria provided, single submitter. Criteria: Ambry Variant Classification Scheme 2023. Collection method: clinical testing. Allele origin: germline.